The following is an entry in ClinVar:

NM_004260.4(RECQL4):c.3080T>C (p.Leu1027Pro)

Gene: RECQL4 (RecQ like helicase 4; minus strand). Cytogenetic location: 8q24.3.
Variant type: single nucleotide variant.
Coding change: c.3080T>C on transcript NM_004260.4 (MANE Select); coding-DNA position 3080, T replaced by C.
Protein change: p.Leu1027Pro; replaces leucine 1027 with proline.
Molecular consequence: missense variant.
Genome position (GRCh38, 1-based): chr8:144,512,300, A>G on the plus strand (T>C on the coding strand, the complement: RECQL4 is on the minus strand). VCF-style: chr8-144512300-A-G. GRCh37 (hg19) VCF-style: chr8-145737683-A-G.
Other names: short protein forms L1027P.
Identifiers: ClinVar variation 1019490 (VCV001019490.3), dbSNP rs1827394535, ClinGen allele CA372670792.

ClinVar aggregate classification (germline): Uncertain significance (1 of 4 stars; one submission).

Conditions:
Baller-Gerold syndrome (BGS). Also called: CRANIOSYNOSTOSIS WITH RADIAL DEFECTS. Identifiers: Orphanet 1225, MedGen C0265308, MONDO:0009039, OMIM 218600.

Submission:

Labcorp Genetics (formerly Invitae), Labcorp
Classification: Uncertain significance for Baller-Gerold syndrome. Last evaluated: 2020-02-19. Review status: criteria provided, single submitter. Criteria: Invitae Variant Classification Sherloc (09022015). Collection method: clinical testing. Allele origin: germline.
Comment: This variant is not present in population databases (ExAC no frequency). In summary, the available evidence is currently insufficient to determine the role of this variant in disease. Therefore, it has been classified as a Variant of Uncertain Significance. Experimental studies and prediction algorithms are not available or were not evaluated, and the functional significance of this variant is currently unknown. This variant has not been reported in the literature in individuals with RECQL4-related conditions. This sequence change replaces leucine with proline at codon 1027 of the RECQL4 protein (p.Leu1027Pro). The leucine residue is highly conserved and there is a moderate physicochemical difference between leucine and proline.